The following is an entry in ClinVar:

NM_021096.4(CACNA1I):c.29C>T (p.Ser10Leu)

Gene: CACNA1I (calcium voltage-gated channel subunit alpha1 I; plus strand). Cytogenetic location: 22q13.1.
Variant type: single nucleotide variant.
Coding change: c.29C>T on transcript NM_021096.4 (MANE Select); coding-DNA position 29, C replaced by T.
Protein change: p.Ser10Leu; replaces serine 10 with leucine.
Molecular consequence: missense variant.
Genome position (GRCh38, 1-based): chr22:39,570,781, C>T. VCF-style: chr22-39570781-C-T. GRCh37 (hg19) VCF-style: chr22-39966786-C-T.
Other names: c.29C>T, p.Ser10Leu (NM_001003406.2); short protein forms S10L.
Identifiers: ClinVar variation 4883826 (VCV004883826.2).

ClinVar aggregate classification (germline): Uncertain significance (1 of 4 stars; one submission).

gnomAD v4.1: 1 of 1,611,618 alleles (0.000062%); no homozygotes.

Submission:

Dasa
Classification: Uncertain significance. Last evaluated: 2026-02-04. Review status: criteria provided, single submitter. Criteria: DASA Assertion Criteria. Collection method: clinical testing. Allele origin: germline.
Comment: NM_021096.4(CACNA1I):c.29C>T (p.Ser10Leu) is a missense variant that results in the substitution of serine with leucine. This variant is rare in population databases. The currently available literature and clinical evidence are not sufficient to establish a definitive association between this variant and the reported condition. Therefore, this variant is classified as a variant of uncertain significance.